The following is an entry in ClinVar:

ClinVar aggregate classification (germline): Uncertain significance. Review status: criteria provided, multiple submitters, no conflicts (2 of 4 stars). 2 submissions from 2 submitters: Uncertain significance (2). Last evaluated 2026-01-15.

Conditions:
Familial cold autoinflammatory syndrome 3 (FCAS3). Also called: ANTIBODY DEFICIENCY AND IMMUNE DYSREGULATION, PLCG2-ASSOCIATED; FAMILIAL ATYPICAL COLD URTICARIA. Identifiers: Orphanet 300359, MedGen C3280914, MONDO:0013766, OMIM 614468.

Allele frequency attached by ClinVar (database versions not stated): gnomAD exomes below 0.00001; TOPMed below 0.00001.
gnomAD v4.1: 2 of 1,614,176 alleles (0.00012%); highest among the groups gnomAD compares: Non-Finnish European, 0.000085%; no homozygotes.

Submissions (2):

Labcorp Genetics (formerly Invitae), Labcorp
Classification: Uncertain significance for Familial cold autoinflammatory syndrome 3. Last evaluated: 2026-01-15. Review status: criteria provided, single submitter. Criteria: Invitae Variant Classification Sherloc (09022015). Collection method: clinical testing. Allele origin: germline.
Comment: This sequence change replaces valine, which is neutral and non-polar, with methionine, which is neutral and non-polar, at codon 537 of the PLCG2 protein (p.Val537Met). This variant is not present in population databases (gnomAD no frequency). This variant has not been reported in the literature in individuals affected with PLCG2-related conditions. ClinVar contains an entry for this variant (Variation ID: 1422487). An algorithm developed to predict the effect of missense changes on protein structure and function outputs the following: PolyPhen-2: "Benign". The methionine amino acid residue is found in multiple mammalian species, which suggests that this missense change does not adversely affect protein function. In summary, the available evidence is currently insufficient to determine the role of this variant in disease. Therefore, it has been classified as a Variant of Uncertain Significance.

Blueprint Genetics
Classification: Uncertain significance. Last evaluated: 2020-09-11. Review status: criteria provided, single submitter. Criteria: ACMG Guidelines, 2015. Collection method: clinical testing. Allele origin: germline.

NM_002661.5(PLCG2):c.1609G>A (p.Val537Met)

Gene: PLCG2 (phospholipase C gamma 2; plus strand). Cytogenetic location: 16q23.3.
Variant type: single nucleotide variant.
Coding change: c.1609G>A on transcript NM_002661.5 (MANE Select); coding-DNA position 1609, G replaced by A.
Protein change: p.Val537Met; replaces valine 537 with methionine.
Molecular consequence: missense variant.
Genome position (GRCh38, 1-based): chr16:81,908,467, G>A. VCF-style: chr16-81908467-G-A. GRCh37 (hg19) VCF-style: chr16-81942072-G-A.
Other names: short protein forms V537M.
Identifiers: ClinVar variation 1422487 (VCV001422487.7), dbSNP rs1909475104, ClinGen allele CA396900154.